The following is an entry in ClinVar:

ClinVar aggregate classification (germline): Uncertain significance (1 of 4 stars; one submission).

Conditions:
3-methylcrotonyl-CoA carboxylase 1 deficiency (MCC1D). Also called: MCCD TYPE 1; METHYLCROTONYLGLYCINURIA TYPE I; MCC 1 deficiency; 3 Alpha methylcrotonylglycinuria 1. Identifiers: Orphanet 6, MedGen CN028786, MONDO:0008861, OMIM 210200.

Submission:

Labcorp Genetics (formerly Invitae), Labcorp
Classification: Uncertain significance for 3-methylcrotonyl-CoA carboxylase 1 deficiency. Last evaluated: 2022-03-29. Review status: criteria provided, single submitter. Criteria: Invitae Variant Classification Sherloc (09022015). Collection method: clinical testing. Allele origin: germline.
Comment: This sequence change falls in intron 6 of the MCCC1 gene. It does not directly change the encoded amino acid sequence of the MCCC1 protein. This variant is not present in population databases (gnomAD no frequency). This variant has not been reported in the literature in individuals affected with MCCC1-related conditions. Experimental studies and prediction algorithms are not available or were not evaluated, and the effect of this variant on mRNA splicing is currently unknown. In summary, the available evidence is currently insufficient to determine the role of this variant in disease. Therefore, it has been classified as a Variant of Uncertain Significance.

NM_020166.5(MCCC1):c.639+18_639+19insAAGATTGTGCATGCTTCCACCCCGTCCGGGAGGGAGGTGGGGGGGGTCAGCCCCCCGCCCGGCCAGCCGCCCCGTCCGGGAGGTGAGGGNNNNNNNNNNAAAAAAAAAAAAAAAAAAAA

Gene: MCCC1 (methylcrotonyl-CoA carboxylase subunit 1; minus strand). Cytogenetic location: 3q27.1.
Variant type: Insertion.
Coding change: c.639+18_639+19insAAGATTGTGCATGCTTCCACCCCGTCCGGGAGGGAGGTGGGGGGGGTCAGCCCCCCGCCCGGCCAGCCGCCCCGTCCGGGAGGTGAGGGNNNNNNNNNNAAAAAAAAAAAAAAAAAAAA on transcript NM_020166.5 (MANE Select); bases 18 to 19 of the intron after coding-DNA position 639, AAGATTGTGCATGCTTCCACCCCGTCCGGGAGGGAGGTGGGGGGGGTCAGCCCCCCGCCCGGCCAGCCGCCCCGTCCGGGAGGTGAGGGNNNNNNNNNNAAAAAAAAAAAAAAAAAAAA inserted.
Molecular consequence: intron variant.
Genome position: GRCh38: chr3:183,071,207-183,071,208. GRCh37 (hg19): chr3:182,788,995-182,788,996.
Other names: c.312+18_312+19insAAGATTGTGCATGCTTCCACCCCGTCCGGGAGGGAGGTGGGGGGGGTCAGCCCCCCGCCCGGCCAGCCGCCCCGTCCGGGAGGTGAGGGNNNNNNNNNNAAAAAAAAAAAAAAAAAAAA (NM_001363880.1); c.288+18_288+19insAAGATTGTGCATGCTTCCACCCCGTCCGGGAGGGAGGTGGGGGGGGTCAGCCCCCCGCCCGGCCAGCCGCCCCGTCCGGGAGGTGAGGGNNNNNNNNNNAAAAAAAAAAAAAAAAAAAA (NM_001293273.2).
Identifiers: ClinVar variation 2119516 (VCV002119516.4), dbSNP rs2530362103.